The following is an entry in ClinVar:

NM_015271.5(TRIM2):c.166C>T (p.Arg56Trp)

Gene: TRIM2 (tripartite motif containing 2; plus strand). Cytogenetic location: 4q31.3.
Variant type: single nucleotide variant.
Coding change: c.166C>T on transcript NM_015271.5 (MANE Select); coding-DNA position 166, C replaced by T.
Protein change: p.Arg56Trp; replaces arginine 56 with tryptophan.
Molecular consequence: missense variant. On other transcripts: 5 prime UTR variant (3), intron variant (1).
Genome position (GRCh38, 1-based): chr4:153,270,470, C>T. VCF-style: chr4-153270470-C-T. GRCh37 (hg19) VCF-style: chr4-154191622-C-T.
Other names: c.85C>T, p.Arg29Trp (NM_001130067.2, NM_001351056.2, NM_001375512.1 and 5 more transcripts); c.166C>T, p.Arg56Trp (NM_001302692.2, NM_001375488.1, NM_001375490.1 and 1 more transcripts); c.163C>T, p.Arg55Trp (NM_001302693.2, NM_001375489.1, NM_001375491.1 and 1 more transcripts); c.139C>T, p.Arg47Trp (NM_001302694.2, NM_001351054.2); c.136C>T, p.Arg46Trp (NM_001351055.2); c.-392C>T (NM_001351057.2); c.-124C>T (NM_001375522.1, NM_001375523.1); c.-124-5423C>T (NM_001375525.1); short protein forms R55W, R29W, R46W, R47W, R56W.
Identifiers: ClinVar variation 1348583 (VCV001348583.8), dbSNP rs980047319, ClinGen allele CA107901252.
Genomic context (GRCh38, chr4:153,270,470, plus strand): 5'-CCAAGTCCTGTGGTGCGCCAGATTGACAAGCAGTTTCTGATTTGCAGTATATGCCTGGAA[C>T]GGTACAAGAATCCCAAGGTTCTCCCCTGTCTGCACACTTTCTGCGAGAGGTAAGCCTCCT-3'
Protein context (NP_056086.2, residues 46-66): QFLICSICLE[Arg56Trp]YKNPKVLPCL

ClinVar aggregate classification (germline): Uncertain significance (1 of 4 stars; one submission).

Conditions:
Charcot-Marie-Tooth disease type 2R. Also called: CHARCOT-MARIE-TOOTH DISEASE, AXONAL, AUTOSOMAL RECESSIVE, TYPE 2R; Charcot-Marie-Tooth disease, axonal, type 2R; CHARCOT-MARIE-TOOTH NEUROPATHY, TYPE 2R. Identifiers: Orphanet 397968, MedGen C3809655, MONDO:0014208, OMIM 615490.

Allele frequency attached by ClinVar (database versions not stated): gnomAD 0.00001; gnomAD exomes 0.00001; TOPMed 0.00001.
gnomAD v4.1: 14 of 1,613,552 alleles (0.00087%); highest among the groups gnomAD compares: Admixed American, 0.0033%; no homozygotes.

Submission:

Labcorp Genetics (formerly Invitae), Labcorp
Classification: Uncertain significance for Charcot-Marie-Tooth disease type 2R. Last evaluated: 2024-10-22. Review status: criteria provided, single submitter. Criteria: Invitae Variant Classification Sherloc (09022015). Collection method: clinical testing. Allele origin: germline.
Comment: This sequence change replaces arginine, which is basic and polar, with tryptophan, which is neutral and slightly polar, at codon 29 of the TRIM2 protein (p.Arg29Trp). This variant is present in population databases (no rsID available, gnomAD 0.003%). This variant has not been reported in the literature in individuals affected with TRIM2-related conditions. ClinVar contains an entry for this variant (Variation ID: 1348583). An algorithm developed to predict the effect of missense changes on protein structure and function (PolyPhen-2) suggests that this variant is likely to be disruptive. In summary, the available evidence is currently insufficient to determine the role of this variant in disease. Therefore, it has been classified as a Variant of Uncertain Significance.